The following is an entry in ClinVar:

ClinVar aggregate classification (germline): Conflicting classifications of pathogenicity. Review status: criteria provided, conflicting classifications (1 of 4 stars). 2 submissions from 2 submitters: Uncertain significance (1); Likely benign (1). Last evaluated 2026-09-08.

Conditions:
SLC45A1-related disorder. Also called: SLC45A1-related condition.

gnomAD v4.1: 1,511 of 1,614,128 alleles (0.094%); highest among the groups gnomAD compares: Admixed American, 0.15%; no homozygotes.

Submissions (2):

PreventionGenetics, part of Exact Sciences
Classification: Likely benign for SLC45A1-related condition. Last evaluated: 2026-09-08. Review status: criteria provided, single submitter. Criteria: ACMG Guidelines, 2015. Collection method: clinical testing. Allele origin: germline.
Comment: This variant is classified as likely benign based on ACMG/AMP sequence variant interpretation guidelines (Richards et al. 2015 PMID: 25741868, with internal and published modifications).

CeGaT Center for Human Genetics Tuebingen
Classification: Uncertain significance. Last evaluated: 2025-02-01. Review status: criteria provided, single submitter. Criteria: CeGaT Center For Human Genetics Tuebingen Variant Classification Criteria Version 2. Collection method: clinical testing. Allele origin: germline. Affected: yes. Observed: 1 variant allele.

NM_001080397.3(SLC45A1):c.2080G>C (p.Val694Leu)

Gene: SLC45A1 (solute carrier family 45 member 1; plus strand). Cytogenetic location: 1p36.23.
Variant type: single nucleotide variant.
Coding change: c.2080G>C on transcript NM_001080397.3 (MANE Select); coding-DNA position 2080, G replaced by C.
Protein change: p.Val694Leu; replaces valine 694 with leucine.
Molecular consequence: missense variant.
Genome position (GRCh38, 1-based): chr1:8,343,846, G>C. VCF-style: chr1-8343846-G-C. GRCh37 (hg19) VCF-style: chr1-8403906-G-C.
Other names: c.2104G>C, p.Val702Leu (NM_001379614.1); c.2011G>C, p.Val671Leu (NM_001379615.1); c.1987G>C, p.Val663Leu (NM_001379616.1); c.1498G>C, p.Val500Leu (NM_001379617.1); c.1474G>C, p.Val492Leu (NM_001379618.1); c.2182G>C (NM_001080397.2); short protein forms V492L, V500L, V663L, V671L, V694L, V702L.
Identifiers: ClinVar variation 3770386 (VCV003770386.14).